The following is an entry in ClinVar:

ClinVar aggregate classification (germline): Pathogenic (1 of 4 stars; one submission).

Conditions:
Early-infantile DEE. Also called: Early infantile epileptic encephalopathy; Early infantile epileptic encephalopathy with suppression bursts; Ohtahara syndrome. Identifiers: Orphanet 1934, MedGen C0393706, MONDO:0800491.

Submission:

Labcorp Genetics (formerly Invitae), Labcorp
Classification: Pathogenic for Early-infantile DEE. Last evaluated: 2023-01-10. Review status: criteria provided, single submitter. Criteria: Invitae Variant Classification Sherloc (09022015). Collection method: clinical testing. Allele origin: germline.
Comment: This sequence change replaces asparagine, which is neutral and polar, with histidine, which is basic and polar, at codon 270 of the GNAO1 protein (p.Asn270His). This variant is not present in population databases (gnomAD no frequency). This missense change has been observed in individual(s) with clinical features of GNAO1-related conditions (PMID: 25262651). In at least one individual the variant was observed to be de novo. Algorithms developed to predict the effect of variants on protein structure and function are not available or were not evaluated for this variant. Experimental studies have shown that this missense change affects GNAO1 function (PMID: 28747448). For these reasons, this variant has been classified as Pathogenic.

Literature cited by the submitters: PubMed 25262651; PubMed 28747448.

NM_020988.3(GNAO1):c.807_808delinsAC (p.Asn270His)

Gene: GNAO1 (G protein subunit alpha o1; plus strand). Cytogenetic location: 16q13.
Variant type: Indel.
Coding change: c.807_808delinsAC on transcript NM_020988.3 (MANE Select); coding-DNA positions 807 to 808, CA replaced by AC.
Protein change: p.Asn270His; replaces asparagine 270 with histidine.
Molecular consequence: missense variant.
Genome position (GRCh38, 1-based): chr16:56,351,467-56,351,468, CA replaced by AC. VCF-style: chr16-56351467-CA-AC. GRCh37 (hg19) VCF-style: chr16-56385379-CA-AC.
Other names: short protein forms N270H.
Identifiers: ClinVar variation 2825827 (VCV002825827.3), dbSNP rs2543427284, ClinGen allele CA2739266762.